The following is an entry in ClinVar:

ClinVar aggregate classification (germline): Uncertain significance (0 of 4 stars; one submission).

Conditions:
PLCE1-related disorder. Also called: PLCE1-related condition.

Submission:

PreventionGenetics, part of Exact Sciences
Classification: Uncertain significance for PLCE1-related condition. Last evaluated: 2024-02-09. Review status: no assertion criteria provided. Collection method: clinical testing. Allele origin: germline.
Comment: The PLCE1 c.4264G>A variant is predicted to result in the amino acid substitution p.Val1422Ile. To our knowledge, this variant has not been reported in the literature or in a large population database, indicating this variant is rare. At this time, the clinical significance of this variant is uncertain due to the absence of conclusive functional and genetic evidence.

NM_016341.4(PLCE1):c.4264G>A (p.Val1422Ile)

Gene: PLCE1 (phospholipase C epsilon 1; plus strand). Cytogenetic location: 10q23.33.
Variant type: single nucleotide variant.
Coding change: c.4264G>A on transcript NM_016341.4 (MANE Select); coding-DNA position 4264, G replaced by A.
Protein change: p.Val1422Ile; replaces valine 1422 with isoleucine.
Molecular consequence: missense variant.
Genome position (GRCh38, 1-based): chr10:94,265,941, G>A. VCF-style: chr10-94265941-G-A. GRCh37 (hg19) VCF-style: chr10-96025698-G-A.
Other names: c.3340G>A, p.Val1114Ile (NM_001165979.2); c.4216G>A, p.Val1406Ile (NM_001288989.2); short protein forms V1114I, V1406I, V1422I.
Identifiers: ClinVar variation 3061208 (VCV003061208.2), dbSNP rs2496427901, ClinGen allele CA377647442.